The following is an entry in ClinVar:

NM_022051.3(EGLN1):c.625G>A (p.Val209Met)

Gene: EGLN1 (egl-9 family hypoxia inducible factor 1; minus strand). Cytogenetic location: 1q42.2.
Variant type: single nucleotide variant.
Coding change: c.625G>A on transcript NM_022051.3 (MANE Select); coding-DNA position 625, G replaced by A.
Protein change: p.Val209Met; replaces valine 209 with methionine.
Molecular consequence: missense variant.
Genome position (GRCh38, 1-based): chr1:231,421,264, C>T on the plus strand (G>A on the coding strand, the complement: EGLN1 is on the minus strand). VCF-style: chr1-231421264-C-T. GRCh37 (hg19) VCF-style: chr1-231557010-C-T.
Other names: c.625G>A, p.Val209Met (NM_001377260.1, NM_001377261.1); short protein forms V209M.
Identifiers: ClinVar variation 4870304 (VCV004870304.1).
Genomic context (GRCh38, chr1:231,421,264, plus strand): 5'-GGGCGCGCACCTCGTCGCCGATCTGCTGTCCGGTCTCCTTGCCGAGGAAGTCGTCCACCA[C>T]ACAGATGCCGTGCTTGTTCATGCACGGCACGATGTACTCGAGCGCCAGCTTCAGCGCCGG-3'
Protein context (NP_071334.1, residues 199-219): VPCMNKHGIC[Val209Met]VDDFLGKETG

ClinVar aggregate classification (germline): Uncertain significance (1 of 4 stars; one submission).

Submission:

Ambry Genetics
Classification: Uncertain significance. Last evaluated: 2026-04-25. Review status: criteria provided, single submitter. Criteria: Ambry Variant Classification Scheme 2023. Collection method: clinical testing. Allele origin: germline.
Comment: The p.V209M variant (also known as c.625G>A), located in coding exon 1 of the EGLN1 gene, results from a G to A substitution at nucleotide position 625. The valine at codon 209 is replaced by methionine, an amino acid with highly similar properties. This amino acid position is conserved. In addition, the in silico prediction for this alteration is inconclusive. Based on the available evidence, the clinical significance of this variant remains unclear.